The following is an entry in ClinVar:

NM_012471.3(TRPC5):c.38C>T (p.Pro13Leu)

Gene: TRPC5 (transient receptor potential cation channel subfamily C member 5; minus strand). Cytogenetic location: Xq23.
Variant type: single nucleotide variant.
Coding change: c.38C>T on transcript NM_012471.3 (MANE Select); coding-DNA position 38, C replaced by T.
Protein change: p.Pro13Leu; replaces proline 13 with leucine.
Molecular consequence: missense variant.
Genome position (GRCh38, 1-based): chrX:111,952,383, G>A on the plus strand (C>T on the coding strand, the complement: TRPC5 is on the minus strand). VCF-style: chrX-111952383-G-A. GRCh37 (hg19) VCF-style: chrX-111195611-G-A.
Other names: short protein forms P13L.
Identifiers: ClinVar variation 4982202 (VCV004982202.1).
Genomic context (GRCh38, chrX:111,952,383, plus strand): 5'-TCCTCTGCAGAGAGCTCTGTCTCAGCCCTCACAATTTGCAGGGGGATGCGGTCTCTGTAC[G>A]GTGAGTAGTTGACCTTTTTGTAGTACAGTTGGGCCATGGTTCATAGCAATGCAGAAATCT-3'
Protein context (NP_036603.1, residues 3-23): QLYYKKVNYS[Pro13Leu]YRDRIPLQIV

ClinVar aggregate classification (germline): Uncertain significance (1 of 4 stars; one submission).

Conditions:
TRPC5-related disorder. Also called: TRPC5-related condition.

gnomAD v4.1: 9 of 1,209,639 alleles (0.00074%); highest among the groups gnomAD compares: South Asian, 0.0018%; no homozygotes.

Submission:

PreventionGenetics, part of Exact Sciences
Classification: Uncertain significance for TRPC5-related condition. Last evaluated: 2026-01-24. Review status: criteria provided, single submitter. Criteria: ACMG Guidelines, 2015. Collection method: clinical testing. Allele origin: germline.
Comment: The TRPC5 c.38C>T variant is predicted to result in the amino acid substitution p.Pro13Leu. To our knowledge, this variant has not been reported in the literature. This variant is reported in 0.0055% of alleles in individuals of South Asian descent in gnomAD. At this time, the clinical significance of this variant is uncertain due to the absence of conclusive functional and genetic evidence.